The following is an entry in ClinVar:

NM_001283009.2(RTEL1):c.898A>G (p.Ser300Gly)

Genes: RTEL1 (regulator of telomere elongation helicase 1; plus strand), RTEL1-TNFRSF6B (RTEL1-TNFRSF6B readthrough (NMD candidate); plus strand). Cytogenetic location: 20q13.33.
Variant type: single nucleotide variant.
Coding change: c.898A>G on transcript NM_001283009.2 (MANE Select); coding-DNA position 898, A replaced by G.
Protein change: p.Ser300Gly; replaces serine 300 with glycine.
Molecular consequence: missense variant. On other transcripts: non-coding transcript variant (1).
Genome position (GRCh38, 1-based): chr20:63,674,072, A>G. VCF-style: chr20-63674072-A-G. GRCh37 (hg19) VCF-style: chr20-62305425-A-G.
Other names: c.229A>G, p.Ser77Gly (NM_001283010.1); c.898A>G, p.Ser300Gly (NM_016434.4); c.970A>G, p.Ser324Gly (NM_032957.5); short protein forms S324G, S300G, S77G.
Identifiers: ClinVar variation 3948344 (VCV003948344.1).

ClinVar aggregate classification (germline): Uncertain significance (1 of 4 stars; one submission).

Conditions:
Inborn genetic diseases. Identifiers: MedGen C0950123, MeSH D030342.

Submission:

Ambry Genetics
Classification: Uncertain significance for Inborn genetic diseases. Last evaluated: 2025-04-20. Review status: criteria provided, single submitter. Criteria: Ambry Variant Classification Scheme 2023. Collection method: clinical testing. Allele origin: germline.
Comment: The p.S300G variant (also known as c.898A>G), located in coding exon 9 of the RTEL1 gene, results from an A to G substitution at nucleotide position 898. The serine at codon 300 is replaced by glycine, an amino acid with similar properties. This amino acid position is conserved. In addition, this alteration is predicted to be tolerated by in silico analysis. Based on the available evidence, the clinical significance of this variant remains unclear.